The following is an entry in ClinVar:

ClinVar aggregate classification (germline): Uncertain significance. Review status: criteria provided, multiple submitters, no conflicts (2 of 4 stars). 2 submissions from 2 submitters: Uncertain significance (2). Last evaluated 2025-11-17.

Conditions:
Hereditary cancer-predisposing syndrome. Also called: Neoplastic Syndromes, Hereditary; Hereditary Cancer Syndrome; Hereditary neoplastic syndrome; Tumor predisposition. Identifiers: Orphanet 140162, MedGen C0027672, MeSH D009386, MONDO:0015356.

Allele frequency attached by ClinVar (database versions not stated): TOPMed 0.00001.
gnomAD v4.1: 15 of 1,608,660 alleles (0.00093%); highest among the groups gnomAD compares: Non-Finnish European, 0.0013%; no homozygotes.

Submissions (2):

Labcorp Genetics (formerly Invitae), Labcorp
Classification: Uncertain significance. Last evaluated: 2025-11-17. Review status: criteria provided, single submitter. Criteria: Invitae Variant Classification Sherloc (09022015). Collection method: clinical testing. Allele origin: germline.
Comment: This sequence change replaces asparagine, which is neutral and polar, with histidine, which is basic and polar, at codon 143 of the POLE protein (p.Asn143His). This variant is not present in population databases (gnomAD no frequency). This variant has not been reported in the literature in individuals affected with POLE-related conditions. ClinVar contains an entry for this variant (Variation ID: 540671). Invitae Evidence Modeling of protein sequence and biophysical properties (such as structural, functional, and spatial information, amino acid conservation, physicochemical variation, residue mobility, and thermodynamic stability) indicates that this missense variant is expected to disrupt POLE protein function with a positive predictive value of 80%. In summary, the available evidence is currently insufficient to determine the role of this variant in disease. Therefore, it has been classified as a Variant of Uncertain Significance.

Ambry Genetics
Classification: Uncertain significance for Hereditary cancer-predisposing syndrome. Last evaluated: 2025-01-22. Review status: criteria provided, single submitter. Criteria: Ambry Variant Classification Scheme 2023. Collection method: clinical testing. Allele origin: germline.
Comment: The p.N143H variant (also known as c.427A>C), located in coding exon 6 of the POLE gene, results from an A to C substitution at nucleotide position 427. The asparagine at codon 143 is replaced by histidine, an amino acid with similar properties. This amino acid position is conserved. In addition, this alteration is predicted to be tolerated by in silico analysis. Since supporting evidence is limited at this time, the clinical significance of this alteration remains unclear.

NM_006231.4(POLE):c.427A>C (p.Asn143His)

Gene: POLE (DNA polymerase epsilon, catalytic subunit; minus strand). Cytogenetic location: 12q24.33.
Variant type: single nucleotide variant.
Coding change: c.427A>C on transcript NM_006231.4 (MANE Select); coding-DNA position 427, A replaced by C.
Protein change: p.Asn143His; replaces asparagine 143 with histidine.
Molecular consequence: missense variant.
Genome position (GRCh38, 1-based): chr12:132,679,648, T>G on the plus strand (A>C on the coding strand, the complement: POLE is on the minus strand). VCF-style: chr12-132679648-T-G. GRCh37 (hg19) VCF-style: chr12-133256234-T-G.
Other names: short protein forms N143H.
Identifiers: ClinVar variation 540671 (VCV000540671.14), dbSNP rs889470853, ClinGen allele CA387367653.
Genomic context (GRCh38, chr12:132,679,648, plus strand): 5'-GATCCTCCACAGTGTGGAAGGACAGCCTGATGTAATTTCGCTTCAAACCCACCAAGTGAT[T>G]TGGCTATAATGCGAAGAGATCACGCTCATTGGTTCAAGAGAAATAGGACTTTATGGGTGA-3'
Protein context (NP_006222.2, residues 133-153): TVPKEDLDLP[Asn143His]HLVGLKRNYI